The following is an entry in ClinVar:

NM_014946.4(SPAST):c.1461T>G (p.Asn487Lys)

Gene: SPAST (spastin; plus strand). Cytogenetic location: 2p22.3.
Variant type: single nucleotide variant.
Coding change: c.1461T>G on transcript NM_014946.4 (MANE Select); coding-DNA position 1461, T replaced by G.
Protein change: p.Asn487Lys; replaces asparagine 487 with lysine.
Molecular consequence: missense variant.
Genome position (GRCh38, 1-based): chr2:32,137,156, T>G. VCF-style: chr2-32137156-T-G. GRCh37 (hg19) VCF-style: chr2-32362225-T-G.
Other names: c.1458T>G, p.Asn486Lys (NM_001363823.2); c.1362T>G, p.Asn454Lys (NM_001363875.2); c.1365T>G, p.Asn455Lys (NM_001377959.1, NM_199436.2); short protein forms N454K, N455K, N487K, N486K.
Identifiers: ClinVar variation 2816402 (VCV002816402.3), dbSNP rs758068759, ClinGen allele CA346502480.

ClinVar aggregate classification (germline): Uncertain significance (1 of 4 stars; one submission).

Conditions:
Hereditary spastic paraplegia 4. Also called: Spastic paraplegia 4, autosomal dominant; Spastic Paraplegia 4; Familial spastic paraplegia autosomal dominant 2. Identifiers: Orphanet 100985, MedGen C1866855, MONDO:0008438, OMIM 182601.

Submission:

Labcorp Genetics (formerly Invitae), Labcorp
Classification: Uncertain significance for Hereditary spastic paraplegia 4. Last evaluated: 2022-11-24. Review status: criteria provided, single submitter. Criteria: Invitae Variant Classification Sherloc (09022015). Collection method: clinical testing. Allele origin: germline.
Comment: This variant disrupts the p.Asn487 amino acid residue in SPAST. Other variant(s) that disrupt this residue have been determined to be pathogenic (PMID: 25131622). This suggests that this residue is clinically significant, and that variants that disrupt this residue are likely to be disease-causing. Advanced modeling of protein sequence and biophysical properties (such as structural, functional, and spatial information, amino acid conservation, physicochemical variation, residue mobility, and thermodynamic stability) performed at Invitae indicates that this missense variant is expected to disrupt SPAST protein function. This variant has not been reported in the literature in individuals affected with SPAST-related conditions. This variant is not present in population databases (gnomAD no frequency). This sequence change replaces asparagine, which is neutral and polar, with lysine, which is basic and polar, at codon 487 of the SPAST protein (p.Asn487Lys). In summary, the available evidence is currently insufficient to determine the role of this variant in disease. Therefore, it has been classified as a Variant of Uncertain Significance.

Literature cited by the submitters: PubMed 25131622.